The following is an entry in ClinVar:

ClinVar aggregate classification (germline): Likely benign. Review status: reviewed by expert panel (3 of 4 stars). 5 submissions from 5 submitters: Likely benign (1). 4 of the submissions do not count toward it. Last evaluated 2023-08-02.

Conditions:
CDH1-related diffuse gastric and lobular breast cancer syndrome. Also called: CDH1-related diffuse gastric and lobular breast cancer. Identifiers: MedGen CN311521, MONDO:0100488.
Hereditary cancer-predisposing syndrome. Also called: Tumor predisposition; Hereditary Cancer Syndrome; Hereditary neoplastic syndrome; Neoplastic Syndromes, Hereditary. Identifiers: Orphanet 140162, MedGen C0027672, MeSH D009386, MONDO:0015356.
Hereditary diffuse gastric adenocarcinoma (HDGC). Also called: DIFFUSE GASTRIC AND LOBULAR BREAST CANCER SYNDROME. Identifiers: Orphanet 26106, MedGen C1708349, MONDO:0007648, OMIM 137215.

Allele frequency attached by ClinVar (database versions not stated): gnomAD exomes below 0.00001; ExAC 0.00001.
gnomAD v4.1: 1 of 1,610,346 alleles (0.000062%); highest among the groups gnomAD compares: Non-Finnish European, 0.000085%; no homozygotes.

Submissions (5):

Clingen Gastric Cancer Variant Curation Expert Panel
Classification: Likely benign for CDH1-related diffuse gastric and lobular breast cancer syndrome. Last evaluated: 2023-08-02. Review status: reviewed by expert panel. Criteria: ClinGen CDH1 ACMG Specifications V3.1. Collection method: curation. Allele origin: germline. Inheritance: Autosomal dominant inheritance.
Comment: The c.164-4G>A (NM_004360.5) variant in CDH1 occurs in the splice donor region of intron 2. This variant has been observed in more than 10 individuals without GC, DGC, SRC tumours or LBC and whose families do not suggest HDGC (BS2; Ambry, GeneDx, Invitae). This variant occurs in one in 251,376 alleles in gnomAD 2.1.1 (less than one out of 100,000), within the European Non-Finnish population (one in 113,662 alleles) PM2_Supporting. In silico splice site predictors suggest that this variant does not impact splicing (BP4). However, splicing has not been assessed by in vitro assays. In summary, this variant meets the criteria to be classified as likely benign for DGLBCS based on the ACMG/AMP criteria applied, as specified by the ClinGen CDH1 VCEP: PM2_Supporting, BS2, BP4. (CDH1 VCEP specifications version 3.1; 04/24/2023)

Labcorp Genetics (formerly Invitae), Labcorp
Classification: Likely benign for Hereditary diffuse gastric adenocarcinoma. Last evaluated: 2025-10-03. Review status: criteria provided, single submitter. Criteria: Invitae Variant Classification Sherloc (09022015). Collection method: clinical testing. Allele origin: germline. Not counted in ClinVar's aggregate classification.

Ambry Genetics
Classification: Likely benign for Hereditary cancer-predisposing syndrome. Last evaluated: 2024-09-19. Review status: criteria provided, single submitter. Criteria: Ambry Variant Classification Scheme 2023. Collection method: clinical testing. Allele origin: germline. Not counted in ClinVar's aggregate classification.

Myriad Genetics, Inc.
Classification: Likely benign for Hereditary diffuse gastric adenocarcinoma. Last evaluated: 2024-09-12. Review status: criteria provided, single submitter. Criteria: Myriad Autosomal Dominant, Autosomal Recessive and X-Linked Classification Criteria (2023). Collection method: clinical testing. Allele origin: unknown. Not counted in ClinVar's aggregate classification.
Comment: This variant is considered likely benign. This variant is intronic and is not expected to impact mRNA splicing.

GeneDx
Classification: Likely benign. Last evaluated: 2018-01-05. Review status: criteria provided, single submitter. Criteria: GeneDx Variant Classification (06012015). Collection method: clinical testing. Allele origin: germline. Affected: yes. Not counted in ClinVar's aggregate classification.
Comment: This variant is considered likely benign or benign based on one or more of the following criteria: it is a conservative change, it occurs at a poorly conserved position in the protein, it is predicted to be benign by multiple in silico algorithms, and/or has population frequency not consistent with disease.

NM_004360.5(CDH1):c.164-4G>A

Gene: CDH1 (cadherin 1; plus strand). Cytogenetic location: 16q22.1.
Variant type: single nucleotide variant.
Coding change: c.164-4G>A on transcript NM_004360.5 (MANE Select); 4 bases into the intron before coding-DNA position 164, G replaced by A.
Molecular consequence: intron variant.
Genome position (GRCh38, 1-based): chr16:68,801,666, G>A. VCF-style: chr16-68801666-G-A. GRCh37 (hg19) VCF-style: chr16-68835569-G-A.
Other names: c.164-4G>A (LRG_301t1, NM_001317184.2); c.-1452-4G>A (NM_001317185.2); c.-1656-4G>A (NM_001317186.2).
Identifiers: ClinVar variation 185577 (VCV000185577.16), dbSNP rs780375749, ClinGen allele CA192317.